The following is an entry in ClinVar:

ClinVar aggregate classification (germline): Uncertain significance (1 of 4 stars; one submission).

Conditions:
Hereditary spastic paraplegia 48. Also called: SPASTIC PARAPLEGIA 48, AUTOSOMAL RECESSIVE; Spastic paraplegia 48. Identifiers: Orphanet 306511, MedGen C3150901, MONDO:0013342, OMIM 613647.

Submission:

Labcorp Genetics (formerly Invitae), Labcorp
Classification: Uncertain significance for Hereditary spastic paraplegia 48. Last evaluated: 2018-12-27. Review status: criteria provided, single submitter. Criteria: Invitae Variant Classification Sherloc (09022015). Collection method: clinical testing. Allele origin: germline.
Comment: This sequence change replaces serine with cysteine at codon 617 of the AP5Z1 protein (p.Ser617Cys). The serine residue is moderately conserved and there is a moderate physicochemical difference between serine and cysteine. In summary, the available evidence is currently insufficient to determine the role of this variant in disease. Therefore, it has been classified as a Variant of Uncertain Significance. Algorithms developed to predict the effect of missense changes on protein structure and function are either unavailable or do not agree on the potential impact of this missense change (SIFT: "Deleterious"; PolyPhen-2: "Probably Damaging"; Align-GVGD: "Class C0"). This variant has not been reported in the literature in individuals with AP5Z1-related conditions. This variant is not present in population databases (ExAC no frequency).

NM_014855.3(AP5Z1):c.1850C>G (p.Ser617Cys)

Gene: AP5Z1 (adaptor related protein complex 5 subunit zeta 1; plus strand). Cytogenetic location: 7p22.1.
Variant type: single nucleotide variant.
Coding change: c.1850C>G on transcript NM_014855.3 (MANE Select); coding-DNA position 1850, C replaced by G.
Protein change: p.Ser617Cys; replaces serine 617 with cysteine.
Molecular consequence: missense variant. On other transcripts: non-coding transcript variant (1).
Genome position (GRCh38, 1-based): chr7:4,790,503, C>G. VCF-style: chr7-4790503-C-G. GRCh37 (hg19) VCF-style: chr7-4830134-C-G.
Other names: c.1850C>G, p.Ser617Cys (LRG_1247t1); c.1382C>G, p.Ser461Cys (NM_001364858.1); short protein forms S461C, S617C.
Identifiers: ClinVar variation 665663 (VCV000665663.8), dbSNP rs1583241907, ClinGen allele CA366664074.